The following is an entry in ClinVar:

ClinVar aggregate classification (germline): Uncertain significance. Review status: criteria provided, multiple submitters, no conflicts (2 of 4 stars). 2 submissions from 2 submitters: Uncertain significance (2). Last evaluated 2025-01-19.

Conditions:
Familial cancer of breast. Also called: Hereditary breast cancer; hereditary breast carcinoma; BREAST CANCER, FAMILIAL. Identifiers: Orphanet 227535, MedGen C0346153, MONDO:0016419, OMIM 114480. Disease mechanism: loss of function.
Fanconi anemia complementation group J. Also called: BRIP1-Related Fanconi Anemia. Identifiers: Orphanet 84, MedGen C1836860, MONDO:0012187, OMIM 609054.
Hereditary cancer-predisposing syndrome. Also called: Hereditary Cancer Syndrome; Neoplastic Syndromes, Hereditary; Hereditary neoplastic syndrome; Tumor predisposition. Identifiers: Orphanet 140162, MedGen C0027672, MeSH D009386, MONDO:0015356.

Submissions (2):

Labcorp Genetics (formerly Invitae), Labcorp
Classification: Uncertain significance for Familial cancer of breast; Fanconi anemia complementation group J. Last evaluated: 2025-01-19. Review status: criteria provided, single submitter. Criteria: Invitae Variant Classification Sherloc (09022015). Collection method: clinical testing. Allele origin: germline.
Comment: This sequence change replaces valine, which is neutral and non-polar, with isoleucine, which is neutral and non-polar, at codon 894 of the BRIP1 protein (p.Val894Ile). This variant is not present in population databases (gnomAD no frequency). This variant has not been reported in the literature in individuals affected with BRIP1-related conditions. ClinVar contains an entry for this variant (Variation ID: 821670). Invitae Evidence Modeling of protein sequence and biophysical properties (such as structural, functional, and spatial information, amino acid conservation, physicochemical variation, residue mobility, and thermodynamic stability) indicates that this missense variant is not expected to disrupt BRIP1 protein function with a negative predictive value of 95%. In summary, the available evidence is currently insufficient to determine the role of this variant in disease. Therefore, it has been classified as a Variant of Uncertain Significance.

Ambry Genetics
Classification: Uncertain significance for Hereditary cancer-predisposing syndrome. Last evaluated: 2024-02-23. Review status: criteria provided, single submitter. Criteria: Ambry Variant Classification Scheme 2023. Collection method: clinical testing. Allele origin: germline.
Comment: The p.V894I variant (also known as c.2680G>A), located in coding exon 18 of the BRIP1 gene, results from a G to A substitution at nucleotide position 2680. The valine at codon 894 is replaced by isoleucine, an amino acid with highly similar properties. This variant was reported in 1/60,466 breast cancer cases and in 0/53,461 controls (Dorling et al. N Engl J Med. 2021 02;384:428-439). This amino acid position is not well conserved in available vertebrate species. In addition, this alteration is predicted to be tolerated by in silico analysis. Since supporting evidence is limited at this time, the clinical significance of this alteration remains unclear.

Literature cited by the submitters: PubMed 33471991 (cited by Ambry Genetics).

NM_032043.3(BRIP1):c.2680G>A (p.Val894Ile)

Gene: BRIP1 (BRCA1 interacting DNA helicase 1; minus strand). Cytogenetic location: 17q23.2.
Variant type: single nucleotide variant.
Coding change: c.2680G>A on transcript NM_032043.3 (MANE Select); coding-DNA position 2680, G replaced by A.
Protein change: p.Val894Ile; replaces valine 894 with isoleucine.
Molecular consequence: missense variant.
Genome position (GRCh38, 1-based): chr17:61,686,061, C>T on the plus strand (G>A on the coding strand, the complement: BRIP1 is on the minus strand). VCF-style: chr17-61686061-C-T. GRCh37 (hg19) VCF-style: chr17-59763422-C-T.
Other names: short protein forms V894I.
Identifiers: ClinVar variation 821670 (VCV000821670.14), dbSNP rs1603276880, ClinGen allele CA400481784.